The following is an entry in ClinVar:

NM_000059.4(BRCA2):c.4391C>G (p.Ser1464Cys)

Gene: BRCA2 (BRCA2 DNA repair associated; plus strand). Cytogenetic location: 13q13.1.
Variant type: single nucleotide variant.
Coding change: c.4391C>G on transcript NM_000059.4 (MANE Select); coding-DNA position 4391, C replaced by G.
Protein change: p.Ser1464Cys; replaces serine 1464 with cysteine.
Molecular consequence: missense variant.
Genome position (GRCh38, 1-based): chr13:32,338,746, C>G. VCF-style: chr13-32338746-C-G. GRCh37 (hg19) VCF-style: chr13-32912883-C-G.
Other names: short protein forms S1464C.
Identifiers: ClinVar variation 856838 (VCV000856838.14), dbSNP rs587776464, ClinGen allele CA387781093.

ClinVar aggregate classification (germline): Conflicting classifications of pathogenicity. Review status: criteria provided, conflicting classifications (1 of 4 stars). 4 submissions from 4 submitters: Uncertain significance (3); Likely benign (1). Last evaluated 2024-02-06.

Conditions:
Hereditary cancer-predisposing syndrome. Also called: Tumor predisposition; Hereditary neoplastic syndrome; Neoplastic Syndromes, Hereditary; Hereditary Cancer Syndrome. Identifiers: Orphanet 140162, MedGen C0027672, MeSH D009386, MONDO:0015356.
Hereditary breast ovarian cancer syndrome. Also called: Breast and ovarian cancer; BRCA1- and BRCA2-Associated Hereditary Breast and Ovarian Cancer; Hereditary breast and ovarian cancer; Hereditary breast and ovarian cancer syndrome (HBOC); Hereditary breast and/or ovarian cancer syndrome; Hereditary breast and ovarian cancer syndrome. Identifiers: Orphanet 145, MedGen C0677776, MeSH D061325, MONDO:0003582. Disease mechanism: loss of function.

Submissions (4):

Ambry Genetics
Classification: Uncertain significance for Hereditary cancer-predisposing syndrome. Last evaluated: 2024-02-06. Review status: criteria provided, single submitter. Criteria: Ambry Variant Classification Scheme 2023. Collection method: clinical testing. Allele origin: germline.
Comment: The p.S1464C variant (also known as c.4391C>G), located in coding exon 10 of the BRCA2 gene, results from a C to G substitution at nucleotide position 4391. The serine at codon 1464 is replaced by cysteine, an amino acid with dissimilar properties. This amino acid position is conserved. In addition, this alteration is predicted to be tolerated by in silico analysis. Based on the available evidence, the clinical significance of this alteration remains unclear.

University of Washington Department of Laboratory Medicine, University of Washington
Classification: Likely benign for Hereditary cancer-predisposing syndrome. Last evaluated: 2023-03-23. Review status: criteria provided, single submitter. Criteria: Dines et al. (Genet Med. 2020). Collection method: curation. Allele origin: germline.
Comment: Missense variant in a coldspot region where missense variants are very unlikely to be pathogenic (PMID:31911673).

BRCA2 exon 11 coldspot. Reclassification based on statistical prior probability.

Color Diagnostics, LLC DBA Color Health
Classification: Uncertain significance for Hereditary cancer-predisposing syndrome. Last evaluated: 2022-11-22. Review status: criteria provided, single submitter. Criteria: ACMG Guidelines, 2015. Collection method: clinical testing. Allele origin: germline.
Comment: This missense variant replaces serine with cysteine at codon 1464 of the BRCA2 protein. Computational prediction suggests that this variant may not impact protein structure and function (internally defined REVEL score threshold <= 0.5, PMID: 27666373). To our knowledge, functional studies have not been reported for this variant. This variant has not been reported in individuals affected with BRCA2-related disorders in the literature. This variant has not been identified in the general population by the Genome Aggregation Database (gnomAD). The available evidence is insufficient to determine the role of this variant in disease conclusively. Therefore, this variant is classified as a Variant of Uncertain Significance.

Labcorp Genetics (formerly Invitae), Labcorp
Classification: Uncertain significance for Hereditary breast ovarian cancer syndrome. Last evaluated: 2019-05-18. Review status: criteria provided, single submitter. Criteria: Invitae Variant Classification Sherloc (09022015). Collection method: clinical testing. Allele origin: germline.
Comment: In summary, the available evidence is currently insufficient to determine the role of this variant in disease. Therefore, it has been classified as a Variant of Uncertain Significance. Algorithms developed to predict the effect of missense changes on protein structure and function (SIFT, PolyPhen-2, Align-GVGD) all suggest that this variant is likely to be tolerated, but these predictions have not been confirmed by published functional studies and their clinical significance is uncertain. This variant has not been reported in the literature in individuals with BRCA2-related conditions. This variant is not present in population databases (ExAC no frequency). This sequence change replaces serine with cysteine at codon 1464 of the BRCA2 protein (p.Ser1464Cys). The serine residue is moderately conserved and there is a moderate physicochemical difference between serine and cysteine.